The following is an entry in ClinVar:

ClinVar aggregate classification (germline): Uncertain significance (1 of 4 stars; one submission).

Conditions:
Intellectual disability. Also called: Intellectual functioning disability; intellectual disabilities; Intellectual developmental disorder. Identifiers: MedGen C3714756, MeSH D008607, MONDO:0001071, HP:0001249.

Allele frequency attached by ClinVar (database versions not stated): ExAC 0.00005; gnomAD exomes 0.00005 and 0.00003; gnomAD 0.00003.
gnomAD v4.1: 50 of 1,613,826 alleles (0.0031%); highest among the groups gnomAD compares: South Asian, 0.055%; no homozygotes.

Submission:

Institute of Human Genetics, University of Leipzig Medical Center
Classification: Uncertain significance for Intellectual disability. Last evaluated: 2021-01-09. Review status: criteria provided, single submitter. Criteria: ACMG Guidelines, 2015. Collection method: curation. Allele origin: germline. Inheritance: Autosomal dominant inheritance. Affected: yes.
Comment: This variant was reported as ROBO1:NM_133631:exon21:c.2990A>T:p.D997V in an individual (Monies_index) with Intellectual disability, epilepsy, autism, ADHD, mitral regurgitation (PMID: 28600779 (monies2017)). Inheritance was reported as dominant (heterozygous) (NA). The variant was reviewed according to current ACMG recommendations and classified as Uncertain Significance (criteria: PP3_Supporting) at the variant level; the gene-disease association is currently not established in curated databases.

Literature cited by the submitters: PubMed 28600779.

NM_002941.4(ROBO1):c.3125A>T (p.Asp1042Val)

Gene: ROBO1 (roundabout guidance receptor 1; minus strand). Cytogenetic location: 3p12.3.
Variant type: single nucleotide variant.
Coding change: c.3125A>T on transcript NM_002941.4 (MANE Select); coding-DNA position 3125, A replaced by T.
Protein change: p.Asp1042Val; replaces aspartic acid 1042 with valine.
Molecular consequence: missense variant. On other transcripts: intron variant (1).
Genome position (GRCh38, 1-based): chr3:78,636,021, T>A on the plus strand (A>T on the coding strand, the complement: ROBO1 is on the minus strand). VCF-style: chr3-78636021-T-A. GRCh37 (hg19) VCF-style: chr3-78685171-T-A.
Other names: ROBO1:NM_133631:exon21:c.2990A>T:p.D997V; c.2990A>T, p.Asp997Val (NM_001145844.1, NM_133631.4); c.2903-78A>T (NM_001145845.2); short protein forms D1042V, D997V.
Identifiers: ClinVar variation 995984 (VCV000995984.1), dbSNP rs765740846, ClinGen allele CA2498443.